The following is an entry in ClinVar:

ClinVar aggregate classification (germline): Likely benign. Review status: criteria provided, multiple submitters, no conflicts (2 of 4 stars). 3 submissions from 3 submitters: Likely benign (3). Last evaluated 2026-01-09.

Conditions:
Infantile neuroaxonal dystrophy (NBIA2A). Also called: Infantile neuroaxonal dystrophy 1; NEURODEGENERATION WITH BRAIN IRON ACCUMULATION 2A; SEITELBERGER DISEASE. Identifiers: Orphanet 35069, MedGen C0270724, MONDO:0024457, OMIM 256600.

Allele frequency attached by ClinVar (database versions not stated): ExAC 0.00007; gnomAD 0.00007 and 0.00009; gnomAD exomes 0.00008 and 0.00013; TOPMed 0.00009; ESP Exome Variant Server 0.00015.
gnomAD v4.1: 192 of 1,541,608 alleles (0.012%); highest among the groups gnomAD compares: Non-Finnish European, 0.016%; 1 homozygote.

Submissions (3):

Labcorp Genetics (formerly Invitae), Labcorp
Classification: Likely benign for Infantile neuroaxonal dystrophy. Last evaluated: 2026-01-09. Review status: criteria provided, single submitter. Criteria: Invitae Variant Classification Sherloc (09022015). Collection method: clinical testing. Allele origin: germline.

CeGaT Center for Human Genetics Tuebingen
Classification: Likely benign. Last evaluated: 2025-09-01. Review status: criteria provided, single submitter. Criteria: CeGaT Center For Human Genetics Tuebingen Variant Classification Criteria Version 2. Collection method: clinical testing. Allele origin: germline. Affected: yes. Observed: 2 variant alleles.
Comment: PLA2G6: BP4, BP7

Blueprint Genetics
Classification: Likely benign. Last evaluated: 2023-11-07. Review status: criteria provided, single submitter. Criteria: ACMG Guidelines, 2015. Collection method: clinical testing. Allele origin: germline.

NM_003560.4(PLA2G6):c.888C>T (p.Asn296=)

Gene: PLA2G6 (phospholipase A2 group VI; minus strand). Cytogenetic location: 22q13.1.
Variant type: single nucleotide variant.
Coding change: c.888C>T on transcript NM_003560.4 (MANE Select); coding-DNA position 888, C replaced by T.
Protein change: p.Asn296=; no amino-acid change (asparagine 296 retained).
Molecular consequence: synonymous variant.
Genome position (GRCh38, 1-based): chr22:38,134,994, G>A on the plus strand (C>T on the coding strand, the complement: PLA2G6 is on the minus strand). VCF-style: chr22-38134994-G-A. GRCh37 (hg19) VCF-style: chr22-38531001-G-A.
Other names: c.888C>T, p.Asn296= (NM_001004426.3, NM_001199562.3, NM_001349864.2 and 2 more transcripts); c.354C>T, p.Asn118= (NM_001349867.2, NM_001349869.2); c.210C>T, p.Asn70= (NM_001349868.2).
Identifiers: ClinVar variation 1646562 (VCV001646562.22), dbSNP rs201078358, ClinGen allele CA10231116.